The following is an entry in ClinVar:

NM_004341.5(CAD):c.4989G>C (p.Glu1663Asp)

Gene: CAD (carbamoyl-phosphate synthetase 2, aspartate transcarbamylase, and dihydroorotase; plus strand). Cytogenetic location: 2p23.3.
Variant type: single nucleotide variant.
Coding change: c.4989G>C on transcript NM_004341.5 (MANE Select); coding-DNA position 4989, G replaced by C.
Protein change: p.Glu1663Asp; replaces glutamic acid 1663 with aspartic acid.
Molecular consequence: missense variant.
Genome position (GRCh38, 1-based): chr2:27,238,559, G>C. VCF-style: chr2-27238559-G-C. GRCh37 (hg19) VCF-style: chr2-27461427-G-C.
Other names: c.4800G>C, p.Glu1600Asp (NM_001306079.2); short protein forms E1600D, E1663D.
Identifiers: ClinVar variation 1715927 (VCV001715927.3), dbSNP rs1488107311, ClinGen allele CA346221872.

ClinVar aggregate classification (germline): Uncertain significance (1 of 4 stars; one submission).

Allele frequency attached by ClinVar (database versions not stated): gnomAD 0.00001; TOPMed 0.00001.
gnomAD v4.1: 1 of 1,613,998 alleles (0.000062%); highest among the groups gnomAD compares: Non-Finnish European, 0.000085%; no homozygotes.

Submission:

Labcorp Genetics (formerly Invitae), Labcorp
Classification: Uncertain significance. Last evaluated: 2022-08-09. Review status: criteria provided, single submitter. Criteria: Invitae Variant Classification Sherloc (09022015). Collection method: clinical testing. Allele origin: germline.
Comment: This sequence change replaces glutamic acid, which is acidic and polar, with aspartic acid, which is acidic and polar, at codon 1663 of the CAD protein (p.Glu1663Asp). This variant is present in population databases (no rsID available, gnomAD 0.007%). This variant has not been reported in the literature in individuals affected with CAD-related conditions. Algorithms developed to predict the effect of missense changes on protein structure and function (SIFT, PolyPhen-2, Align-GVGD) all suggest that this variant is likely to be tolerated. In summary, the available evidence is currently insufficient to determine the role of this variant in disease. Therefore, it has been classified as a Variant of Uncertain Significance.